The following is an entry in ClinVar:

ClinVar aggregate classification (germline): Uncertain significance. Review status: criteria provided, multiple submitters, no conflicts (2 of 4 stars). 2 submissions from 2 submitters: Uncertain significance (2). Last evaluated 2021-09-18.

Conditions:
Hereditary cancer-predisposing syndrome. Also called: Tumor predisposition; Hereditary Cancer Syndrome; Neoplastic Syndromes, Hereditary; Hereditary neoplastic syndrome. Identifiers: Orphanet 140162, MedGen C0027672, MeSH D009386, MONDO:0015356.
Hereditary breast ovarian cancer syndrome. Also called: Hereditary breast and ovarian cancer syndrome; Hereditary breast and ovarian cancer; Hereditary breast and ovarian cancer syndrome (HBOC); Hereditary breast and/or ovarian cancer syndrome; Breast and ovarian cancer; BRCA1- and BRCA2-Associated Hereditary Breast and Ovarian Cancer. Identifiers: Orphanet 145, MedGen C0677776, MeSH D061325, MONDO:0003582. Disease mechanism: loss of function.

Submissions (2):

Labcorp Genetics (formerly Invitae), Labcorp
Classification: Uncertain significance for Hereditary breast ovarian cancer syndrome. Last evaluated: 2021-09-18. Review status: criteria provided, single submitter. Criteria: Invitae Variant Classification Sherloc (09022015). Collection method: clinical testing. Allele origin: germline.
Comment: In summary, the available evidence is currently insufficient to determine the role of this variant in disease. Therefore, it has been classified as a Variant of Uncertain Significance. This variant, c.8663_8680dup, results in the insertion of 6 amino acid(s) to the BRCA2 protein (p.Arg2888_Gln2893dup), but otherwise preserves the integrity of the reading frame. This variant is not present in population databases (ExAC no frequency). This variant has not been reported in the literature in individuals affected with BRCA2-related conditions. Experimental studies and prediction algorithms are not available or were not evaluated, and the functional significance of this variant is currently unknown.

Color Diagnostics, LLC DBA Color Health
Classification: Uncertain significance for Hereditary cancer-predisposing syndrome. Last evaluated: 2021-06-14. Review status: criteria provided, single submitter. Criteria: ACMG Guidelines, 2015. Collection method: clinical testing. Allele origin: germline.
Comment: This variant causes a duplication of 6 consecutive amino acids in the DNA binding domain of the BRCA2 protein. To our knowledge, functional studies have not been reported for this variant. This variant has not been reported in individuals affected with hereditary cancer in the literature. This variant has not been identified in the general population by the Genome Aggregation Database (gnomAD). The available evidence is insufficient to determine the role of this variant in disease conclusively. Therefore, this variant is classified as a Variant of Uncertain Significance.

NM_000059.4(BRCA2):c.8663_8680dup (p.Arg2888_Gln2893dup)

Gene: BRCA2 (BRCA2 DNA repair associated; plus strand). Cytogenetic location: 13q13.1.
Variant type: Duplication.
Coding change: c.8663_8680dup on transcript NM_000059.4 (MANE Select); coding-DNA positions 8663 to 8680, 18 bases duplicated (GTGCACTAACAAGACAGC).
Protein change: p.Arg2888_Gln2893dup.
Molecular consequence: inframe insertion.
Genome position (GRCh38, 1-based): chr13:32,376,700-32,376,717, GTGCACTAACAAGACAGC duplicated; duplicating any 18 consecutive bases within chr13:32,376,699-32,376,717 gives the same sequence; the c. name uses the placement nearest the transcript's 3' end. VCF-style (leftmost placement, unchanged base first): chr13-32376698-A-ACGTGCACTAACAAGACAG. GRCh37 (hg19) VCF-style: chr13-32950835-A-ACGTGCACTAACAAGACAG.
Identifiers: ClinVar variation 1331745 (VCV001331745.8), dbSNP rs2137612580, ClinGen allele CA2573053826.